The following is an entry in ClinVar:

ClinVar aggregate classification (germline): Uncertain significance. Review status: no assertion criteria provided (0 of 4 stars). 2 submissions from 1 submitter: Uncertain significance (1). 1 of the submissions does not count toward it.

Allele frequency attached by ClinVar (database versions not stated): gnomAD exomes below 0.00001 and 0.00001; ExAC 0.00001.
gnomAD v4.1: 1 of 1,210,143 alleles (0.000083%); highest among the groups gnomAD compares: South Asian, 0.0018%; no homozygotes.

Submissions (2):

Richard Lifton Laboratory, Yale University School of Medicine
Classification: Uncertain significance. Review status: no assertion criteria provided. Collection method: not provided. Allele origin: somatic.
Comment: TBC1D8B:p.G176G
ClinVar note: Converted during submission from unknown to Uncertain significance.

Richard Lifton Laboratory, Yale University School of Medicine
Classification: Uncertain significance. Review status: flagged submission. Collection method: not provided. Allele origin: somatic. Not counted in ClinVar's aggregate classification.
ClinVar note: Converted during submission from unknown to Uncertain significance.
ClinVar note: Reason: This record appears to be redundant with a more recent record from the same submitter.
ClinVar note: Notes: SCV000120092 appears to be redundant with SCV000155196.

NM_017752.3(TBC1D8B):c.528T>C (p.Gly176=)

Gene: TBC1D8B (TBC1 domain family member 8B; plus strand). Cytogenetic location: Xq22.3.
Variant type: single nucleotide variant.
Coding change: c.528T>C on transcript NM_017752.3 (MANE Select); coding-DNA position 528, T replaced by C.
Protein change: p.Gly176=; no amino-acid change (glycine 176 retained).
Molecular consequence: synonymous variant.
Genome position (GRCh38, 1-based): chrX:106,822,144, T>C. VCF-style: chrX-106822144-T-C. GRCh37 (hg19) VCF-style: chrX-106065374-T-C.
Other names: c.528T>C, p.Gly176= (NM_198881.2).
Identifiers: ClinVar variation 100867 (VCV000100867.2), dbSNP rs483352744, ClinGen allele CA229160.